The following is an entry in ClinVar:

NM_006922.4(SCN3A):c.2155C>T (p.Leu719Phe)

Gene: SCN3A (sodium voltage-gated channel alpha subunit 3; minus strand). Cytogenetic location: 2q24.3.
Variant type: single nucleotide variant.
Coding change: c.2155C>T on transcript NM_006922.4 (MANE Select); coding-DNA position 2155, C replaced by T.
Protein change: p.Leu719Phe; replaces leucine 719 with phenylalanine.
Molecular consequence: missense variant.
Genome position (GRCh38, 1-based): chr2:165,138,115, G>A on the plus strand (C>T on the coding strand, the complement: SCN3A is on the minus strand). VCF-style: chr2-165138115-G-A. GRCh37 (hg19) VCF-style: chr2-165994625-G-A.
Other names: c.2008C>T, p.Leu670Phe (NM_001081676.2, NM_001081677.2); short protein forms L670F, L719F.
Identifiers: ClinVar variation 1395974 (VCV001395974.6), dbSNP rs199864134, ClinGen allele CA59740149.

ClinVar aggregate classification (germline): Uncertain significance (1 of 4 stars; one submission).

Allele frequency attached by ClinVar (database versions not stated): gnomAD exomes below 0.00001; gnomAD 0.00001; 1000 Genomes Project 30x 0.00016; 1000 Genomes Project 0.00020.
gnomAD v4.1: 5 of 1,606,158 alleles (0.00031%); highest among the groups gnomAD compares: African/African-American, 0.0053%; no homozygotes.

Submission:

Labcorp Genetics (formerly Invitae), Labcorp
Classification: Uncertain significance. Last evaluated: 2026-01-09. Review status: criteria provided, single submitter. Criteria: Invitae Variant Classification Sherloc (09022015). Collection method: clinical testing. Allele origin: germline.
Comment: This sequence change replaces leucine, which is neutral and non-polar, with phenylalanine, which is neutral and non-polar, at codon 719 of the SCN3A protein (p.Leu719Phe). This variant is not present in population databases (gnomAD no frequency). This variant has not been reported in the literature in individuals affected with SCN3A-related conditions. ClinVar contains an entry for this variant (Variation ID: 1395974). An algorithm developed to predict the effect of missense changes on protein structure and function (PolyPhen-2) suggests that this variant is likely to be disruptive. In summary, the available evidence is currently insufficient to determine the role of this variant in disease. Therefore, it has been classified as a Variant of Uncertain Significance.